The following is an entry in ClinVar:

ClinVar aggregate classification (germline): Likely pathogenic (1 of 4 stars; one submission).

Conditions:
Werner syndrome (WRN). Identifiers: Orphanet 902, MedGen C0043119, MONDO:0010196, OMIM 277700.

Allele frequency attached by ClinVar (database versions not stated): gnomAD exomes 0.00001 and 0.00002; ExAC 0.00002.
gnomAD v4.1: 6 of 1,613,836 alleles (0.00037%); highest among the groups gnomAD compares: Admixed American, 0.0083%; no homozygotes.

Submission:

Labcorp Genetics (formerly Invitae), Labcorp
Classification: Likely pathogenic for Werner syndrome. Last evaluated: 2023-09-27. Review status: criteria provided, single submitter. Criteria: Invitae Variant Classification Sherloc (09022015). Collection method: clinical testing. Allele origin: germline.
Comment: In summary, the currently available evidence indicates that the variant is pathogenic, but additional data are needed to prove that conclusively. Therefore, this variant has been classified as Likely Pathogenic. Algorithms developed to predict the effect of sequence changes on RNA splicing suggest that this variant may disrupt the consensus splice site. ClinVar contains an entry for this variant (Variation ID: 834434). Disruption of this splice site has been observed in individual(s) with dyslipidemia (PMID: 32041611). This variant is present in population databases (rs759685032, gnomAD 0.01%). This sequence change affects an acceptor splice site in intron 32 of the WRN gene. It is expected to disrupt RNA splicing. Variants that disrupt the donor or acceptor splice site typically lead to a loss of protein function (PMID: 16199547), and loss-of-function variants in WRN are known to be pathogenic (PMID: 16673358).

Literature cited by the submitters: PubMed 32041611; PubMed 16199547; PubMed 16673358.

NM_000553.6(WRN):c.3820-2A>G

Gene: WRN (WRN RecQ like helicase; plus strand). Cytogenetic location: 8p12.
Variant type: single nucleotide variant.
Coding change: c.3820-2A>G on transcript NM_000553.6 (MANE Select); the canonical splice acceptor site of the intron before coding-DNA position 3820, A replaced by G.
Molecular consequence: splice acceptor variant.
Genome position (GRCh38, 1-based): chr8:31,157,366, A>G. VCF-style: chr8-31157366-A-G. GRCh37 (hg19) VCF-style: chr8-31014882-A-G.
Identifiers: ClinVar variation 834434 (VCV000834434.7), dbSNP rs759685032, ClinGen allele CA4705190.
Genomic context (GRCh38, chr8:31,157,366, plus strand): 5'-ATTTCCATGACTGGAGTGGACACTTTTACAACTCACTGGGTTCTTTGCTGATCTTTCTCT[A>G]GAAGAGCATAGCTGAGAGCAGGATTCTGCCTCTCATGACAATTGGCATGCACTTATCCCA-3'